The following is an entry in ClinVar:

NM_001005273.3(CHD3):c.721G>A (p.Ala241Thr)

Gene: CHD3 (chromodomain helicase DNA binding protein 3; plus strand). Cytogenetic location: 17p13.1.
Variant type: single nucleotide variant.
Coding change: c.721G>A on transcript NM_001005273.3 (MANE Select); coding-DNA position 721, G replaced by A.
Protein change: p.Ala241Thr; replaces alanine 241 with threonine.
Molecular consequence: missense variant.
Genome position (GRCh38, 1-based): chr17:7,893,497, G>A. VCF-style: chr17-7893497-G-A. GRCh37 (hg19) VCF-style: chr17-7796815-G-A.
Other names: c.898G>A, p.Ala300Thr (NM_001005271.3); c.721G>A, p.Ala241Thr (NM_005852.4); c.898G>A (NM_001005271.2); short protein forms A241T, A300T.
Identifiers: ClinVar variation 2647423 (VCV002647423.25), dbSNP rs150799852, ClinGen allele CA8362443.

ClinVar aggregate classification (germline): Likely benign. Review status: criteria provided, single submitter (1 of 4 stars). 2 submissions from 2 submitters: Likely benign (1). 1 of the submissions does not count toward it. Last evaluated 2025-10-01.

Conditions:
CHD3-related disorder. Also called: CHD3-related condition.

Allele frequency attached by ClinVar (database versions not stated): 1000 Genomes Project 0.00020; 1000 Genomes Project 30x 0.00031; ESP Exome Variant Server 0.00077; gnomAD 0.01222.

Submissions (2):

CeGaT Center for Human Genetics Tuebingen
Classification: Likely benign. Last evaluated: 2025-10-01. Review status: criteria provided, single submitter. Criteria: CeGaT Center For Human Genetics Tuebingen Variant Classification Criteria Version 2. Collection method: clinical testing. Allele origin: germline. Affected: yes. Observed: 2 variant alleles.
Comment: CHD3: BP4, BS1

PreventionGenetics, part of Exact Sciences
Classification: Benign for CHD3-related condition. Last evaluated: 2019-02-28. Review status: no assertion criteria provided. Collection method: clinical testing. Allele origin: germline. Not counted in ClinVar's aggregate classification.
Comment: This variant is classified as benign based on ACMG/AMP sequence variant interpretation guidelines (Richards et al. 2015 PMID: 25741868, with internal and published modifications).